The following is an entry in ClinVar:

NM_001035.3(RYR2):c.9406A>T (p.Ser3136Cys)

Gene: RYR2 (ryanodine receptor 2; plus strand). Cytogenetic location: 1q43.
Variant type: single nucleotide variant.
Coding change: c.9406A>T on transcript NM_001035.3 (MANE Select); coding-DNA position 9406, A replaced by T.
Protein change: p.Ser3136Cys; replaces serine 3136 with cysteine.
Molecular consequence: missense variant.
Genome position (GRCh38, 1-based): chr1:237,702,016, A>T. VCF-style: chr1-237702016-A-T. GRCh37 (hg19) VCF-style: chr1-237865316-A-T.
Other names: short protein forms S3136C.
Identifiers: ClinVar variation 2774363 (VCV002774363.2), dbSNP rs1262089571, ClinGen allele CA345406366.

ClinVar aggregate classification (germline): Uncertain significance (1 of 4 stars; one submission).

Conditions:
Cardiomyopathy (CMYO). Also called: Cardiomyopathies. Identifiers: Orphanet 167848, MedGen C0878544, MONDO:0004994, HP:0001638. Inheritance: Various modes of inheritance.

Submission:

Color Diagnostics, LLC DBA Color Health
Classification: Uncertain significance for Cardiomyopathy. Last evaluated: 2024-03-07. Review status: criteria provided, single submitter. Criteria: ACMG Guidelines, 2015. Collection method: clinical testing. Allele origin: germline.
Comment: This missense variant replaces serine with cysteine at codon 3136 of the RYR2 protein. Computational prediction suggests that this variant may not impact protein structure and function (internally defined REVEL score threshold <= 0.5, PMID: 27666373). To our knowledge, functional studies have not been reported for this variant. This variant has not been reported in individuals affected with cardiovascular disorders in the literature. This variant has not been identified in the general population by the Genome Aggregation Database (gnomAD). The available evidence is insufficient to determine the role of this variant in disease conclusively. Therefore, this variant is classified as a Variant of Uncertain Significance.